The following is an entry in ClinVar:

NM_001127208.3(TET2):c.164A>C (p.His55Pro)

Genes: TET2-AS1 (TET2 antisense RNA 1; minus strand), TET2 (tet methylcytosine dioxygenase 2; plus strand). Cytogenetic location: 4q24.
Variant type: single nucleotide variant.
Coding change: c.164A>C on transcript NM_001127208.3 (MANE Select); coding-DNA position 164, A replaced by C.
Protein change: p.His55Pro; replaces histidine 55 with proline.
Molecular consequence: missense variant.
Genome position (GRCh38, 1-based): chr4:105,234,106, A>C. VCF-style: chr4-105234106-A-C. GRCh37 (hg19) VCF-style: chr4-106155263-A-C.
Other names: c.164A>C, p.His55Pro (NM_017628.4); short protein forms H55P.
Identifiers: ClinVar variation 4825017 (VCV004825017.1).

ClinVar aggregate classification (germline): Uncertain significance (1 of 4 stars; one submission).

Submission:

Ambry Genetics
Classification: Uncertain significance. Last evaluated: 2026-02-14. Review status: criteria provided, single submitter. Criteria: Ambry Variant Classification Scheme 2023. Collection method: clinical testing. Allele origin: germline.
Comment: The p.H55P variant (also known as c.164A>C), located in coding exon 1 of the TET2 gene, results from an A to C substitution at nucleotide position 164. The histidine at codon 55 is replaced by proline, an amino acid with similar properties. This amino acid position is conserved. In addition, this alteration is predicted to be tolerated by in silico analysis. Based on the available evidence, the clinical significance of this variant remains unclear.